The following is an entry in ClinVar:

ClinVar aggregate classification (germline): Uncertain significance (1 of 4 stars; one submission).

Submission:

Labcorp Genetics (formerly Invitae), Labcorp
Classification: Uncertain significance. Last evaluated: 2024-10-22. Review status: criteria provided, single submitter. Criteria: Invitae Variant Classification Sherloc (09022015). Collection method: clinical testing. Allele origin: germline.
Comment: This sequence change replaces asparagine, which is neutral and polar, with isoleucine, which is neutral and non-polar, at codon 48 of the POLR3B protein (p.Asn48Ile). This variant is not present in population databases (gnomAD no frequency). This variant has not been reported in the literature in individuals affected with POLR3B-related conditions. ClinVar contains an entry for this variant (Variation ID: 1928919). Invitae Evidence Modeling of protein sequence and biophysical properties (such as structural, functional, and spatial information, amino acid conservation, physicochemical variation, residue mobility, and thermodynamic stability) indicates that this missense variant is expected to disrupt POLR3B protein function with a positive predictive value of 80%. In summary, the available evidence is currently insufficient to determine the role of this variant in disease. Therefore, it has been classified as a Variant of Uncertain Significance.

NM_018082.6(POLR3B):c.143A>T (p.Asn48Ile)

Gene: POLR3B (RNA polymerase III subunit B; plus strand). Cytogenetic location: 12q23.3.
Variant type: single nucleotide variant.
Coding change: c.143A>T on transcript NM_018082.6 (MANE Select); coding-DNA position 143, A replaced by T.
Protein change: p.Asn48Ile; replaces asparagine 48 with isoleucine.
Molecular consequence: missense variant. On other transcripts: 5 prime UTR variant (1).
Genome position (GRCh38, 1-based): chr12:106,366,553, A>T. VCF-style: chr12-106366553-A-T. GRCh37 (hg19) VCF-style: chr12-106760331-A-T.
Other names: c.-32A>T (NM_001160708.2); short protein forms N48I.
Identifiers: ClinVar variation 1928919 (VCV001928919.5), dbSNP rs2541978914, ClinGen allele CA386385409.